The following is an entry in ClinVar:

NM_001388492.1(HTT):c.7166C>T (p.Thr2389Met)

Gene: HTT (huntingtin; plus strand). Cytogenetic location: 4p16.3.
Variant type: single nucleotide variant.
Coding change: c.7166C>T on transcript NM_001388492.1 (MANE Select); coding-DNA position 7166, C replaced by T.
Protein change: p.Thr2389Met; replaces threonine 2389 with methionine.
Molecular consequence: missense variant.
Genome position (GRCh38, 1-based): chr4:3,217,876, C>T. VCF-style: chr4-3217876-C-T. GRCh37 (hg19) VCF-style: chr4-3219603-C-T.
Other names: c.7172C>T, p.Thr2391Met (NM_002111.8); short protein forms T2391M, T2389M.
Identifiers: ClinVar variation 1448517 (VCV001448517.20), dbSNP rs200455891, ClinGen allele CA2825262.
Genomic context (GRCh38, chr4:3,217,876, plus strand): 5'-CTCTGCAGTCGGTGTTGGCCTTGGGTCATAAAAGGAATAGCGGCGTGCCGGCGTTTCTCA[C>T]GCCATTGCTAAGGAACATCATCATCAGCCTGGCCCGCCTGCCCCTTGTCAACAGCTACAC-3'
Protein context (NP_001375421.1, residues 2379-2399): KRNSGVPAFL[Thr2389Met]PLLRNIIISL

ClinVar aggregate classification (germline): Uncertain significance. Review status: criteria provided, multiple submitters, no conflicts (2 of 4 stars). 2 submissions from 2 submitters: Uncertain significance (2). Last evaluated 2024-10-01.

Allele frequency attached by ClinVar (database versions not stated): gnomAD 0.00015 and 0.00016; ESP Exome Variant Server 0.00016; ExAC 0.00017; gnomAD exomes 0.00017 and 0.00024; TOPMed 0.00019.
gnomAD v4.1: 365 of 1,614,042 alleles (0.023%); highest among the groups gnomAD compares: East Asian, 0.033%; no homozygotes.

Submissions (2):

CeGaT Center for Human Genetics Tuebingen
Classification: Uncertain significance. Last evaluated: 2024-10-01. Review status: criteria provided, single submitter. Criteria: CeGaT Center For Human Genetics Tuebingen Variant Classification Criteria Version 2. Collection method: clinical testing. Allele origin: germline. Affected: yes. Observed: 1 variant allele.
Comment: HTT: PM2:Supporting, BP4

Labcorp Genetics (formerly Invitae), Labcorp
Classification: Uncertain significance. Last evaluated: 2023-02-24. Review status: criteria provided, single submitter. Criteria: Invitae Variant Classification Sherloc (09022015). Collection method: clinical testing. Allele origin: germline.
Comment: ClinVar contains an entry for this variant (Variation ID: 1448517). Experimental studies and prediction algorithms are not available or were not evaluated, and the functional significance of this variant is currently unknown. In summary, the available evidence is currently insufficient to determine the role of this variant in disease. Therefore, it has been classified as a Variant of Uncertain Significance. This variant has not been reported in the literature in individuals affected with HTT-related conditions. This sequence change replaces threonine, which is neutral and polar, with methionine, which is neutral and non-polar, at codon 2391 of the HTT protein (p.Thr2391Met). This variant is present in population databases (rs200455891, gnomAD 0.04%).